The following is an entry in ClinVar:

ClinVar aggregate classification (germline): Pathogenic (1 of 4 stars; one submission).

Conditions:
Maple syrup urine disease type 2 (MSUD2). Also called: Maple syrup urine disease, type II. Identifiers: MedGen C1855371, MONDO:0023693, OMIM 620699.

Submission:

Myriad Genetics, Inc.
Classification: Pathogenic for Maple syrup urine disease type 2. Last evaluated: 2024-04-19. Review status: criteria provided, single submitter. Criteria: Myriad Autosomal Dominant, Autosomal Recessive and X-Linked Classification Criteria (2023). Collection method: clinical testing. Allele origin: unknown.
Comment: NM_001918.3(DBT):c.396delG(K133Sfs*3) is expected to be pathogenic in the context of maple syrup urine disease type II. This variant is predicted to lead to an abnormal or absent protein product due to the creation of a premature termination codon in DBT, a gene where loss-of-function variants are known to be pathogenic. Please note: this variant was assessed in the context of healthy population screening.

NM_001918.5(DBT):c.396del (p.Lys133fs)

Gene: DBT (dihydrolipoamide branched chain transacylase E2; minus strand). Cytogenetic location: 1p21.2.
Variant type: Deletion.
Coding change: c.396del on transcript NM_001918.5 (MANE Select); coding-DNA position 396, one base deleted (G; older notation c.396delG).
Protein change: p.Lys133fs; shifts the reading frame from lysine 133.
Molecular consequence: frameshift variant. On other transcripts: 5 prime UTR variant (2), non-coding transcript variant (3).
Genome position (GRCh38, 1-based): chr1:100,230,770, C deleted on the plus strand (G on the coding strand, the reverse complement: DBT is on the minus strand); the first of 4 consecutive C bases (chr1:100,230,770-100,230,773); deleting any one gives the same sequence. VCF-style (leftmost placement, unchanged base first): chr1-100230769-TC-T. GRCh37 (hg19) VCF-style: chr1-100696325-TC-T.
Other names: c.-148del (NM_001399969.1, NM_001399972.1); short protein forms K133fs.
Identifiers: ClinVar variation 5012928 (VCV005012928.1).
Genomic context (GRCh38, chr1:100,230,769, plus strand): 5'-AATAGATTAACAGACTTACAATACCTTTTAAAGCTTCCGTTTCTATGTCTACTAATGGCT[TC>T]CCCACATAGGCAATATCGTCTAGATTATAATAGAGTTTTTTAATGACTCCATCATAACGA-3'